The following is an entry in ClinVar:

ClinVar aggregate classification (germline): Uncertain significance (1 of 4 stars; one submission).

Submission:

Labcorp Genetics (formerly Invitae), Labcorp
Classification: Uncertain significance. Last evaluated: 2022-12-14. Review status: criteria provided, single submitter. Criteria: Invitae Variant Classification Sherloc (09022015). Collection method: clinical testing. Allele origin: germline.
Comment: This sequence change replaces isoleucine, which is neutral and non-polar, with valine, which is neutral and non-polar, at codon 1284 of the SAMD9 protein (p.Ile1284Val). This variant is not present in population databases (gnomAD no frequency). This variant has not been reported in the literature in individuals affected with SAMD9-related conditions. ClinVar contains an entry for this variant (Variation ID: 1720605). Advanced modeling of protein sequence and biophysical properties (such as structural, functional, and spatial information, amino acid conservation, physicochemical variation, residue mobility, and thermodynamic stability) performed at Invitae indicates that this missense variant is not expected to disrupt SAMD9 protein function. In summary, the available evidence is currently insufficient to determine the role of this variant in disease. Therefore, it has been classified as a Variant of Uncertain Significance.

NM_017654.4(SAMD9):c.3850A>G (p.Ile1284Val)

Gene: SAMD9 (sterile alpha motif domain containing 9; minus strand). Cytogenetic location: 7q21.2.
Variant type: single nucleotide variant.
Coding change: c.3850A>G on transcript NM_017654.4 (MANE Select); coding-DNA position 3850, A replaced by G.
Protein change: p.Ile1284Val; replaces isoleucine 1284 with valine.
Molecular consequence: missense variant.
Genome position (GRCh38, 1-based): chr7:93,102,248, T>C on the plus strand (A>G on the coding strand, the complement: SAMD9 is on the minus strand). VCF-style: chr7-93102248-T-C. GRCh37 (hg19) VCF-style: chr7-92731561-T-C.
Other names: c.3850A>G, p.Ile1284Val (NM_001193307.2); short protein forms I1284V.
Identifiers: ClinVar variation 1720605 (VCV001720605.5), dbSNP rs2535354577, ClinGen allele CA368182201.